The following is an entry in ClinVar:

ClinVar aggregate classification (germline): Uncertain significance. Review status: criteria provided, multiple submitters, no conflicts (2 of 4 stars). 2 submissions from 2 submitters: Uncertain significance (2). Last evaluated 2024-08-22.

Conditions:
Hereditary cancer-predisposing syndrome. Also called: Neoplastic Syndromes, Hereditary; Hereditary neoplastic syndrome; Hereditary Cancer Syndrome; Tumor predisposition. Identifiers: Orphanet 140162, MedGen C0027672, MeSH D009386, MONDO:0015356.
Cardiovascular phenotype. Identifiers: MedGen CN230736.

Allele frequency attached by ClinVar (database versions not stated): gnomAD 0.00001; 1000 Genomes Project 30x 0.00016.
gnomAD v4.1: 2 of 1,556,944 alleles (0.00013%); highest among the groups gnomAD compares: Admixed American, 0.0019%; no homozygotes.

Submissions (2):

Ambry Genetics
Classification: Uncertain significance for Cardiovascular phenotype; Hereditary cancer-predisposing syndrome. Last evaluated: 2024-08-22. Review status: criteria provided, single submitter. Criteria: Ambry Variant Classification Scheme 2023. Collection method: clinical testing. Allele origin: germline.
Comment: The p.S6I variant (also known as c.17G>T), located in coding exon 1 of the LZTR1 gene, results from a G to T substitution at nucleotide position 17. The serine at codon 6 is replaced by isoleucine, an amino acid with dissimilar properties. This amino acid position is conserved. In addition, this alteration is predicted to be tolerated by in silico analysis. Based on the available evidence, the clinical significance of this variant remains unclear.

Revvity Omics, Revvity
Classification: Uncertain significance. Last evaluated: 2020-12-30. Review status: criteria provided, single submitter. Criteria: ACMG Guidelines, 2015. Collection method: clinical testing. Allele origin: germline.

NM_006767.4(LZTR1):c.17G>T (p.Ser6Ile)

Genes: LZTR1 (leucine zipper like post translational regulator 1; plus strand), LOC130067016 (ATAC-STARR-seq lymphoblastoid silent region 13504; plus strand). Cytogenetic location: 22q11.21.
Variant type: single nucleotide variant.
Coding change: c.17G>T on transcript NM_006767.4 (MANE Select); coding-DNA position 17, G replaced by T.
Protein change: p.Ser6Ile; replaces serine 6 with isoleucine.
Molecular consequence: missense variant.
Genome position (GRCh38, 1-based): chr22:20,982,388, G>T. VCF-style: chr22-20982388-G-T. GRCh37 (hg19) VCF-style: chr22-21336677-G-T.
Other names: short protein forms S6I.
Identifiers: ClinVar variation 2433579 (VCV002433579.4), dbSNP rs1169396415, ClinGen allele CA410777428.